The following is an entry in ClinVar:

NM_002335.4(LRP5):c.2760C>T (p.Ile920=)

Gene: LRP5 (LDL receptor related protein 5; plus strand). Cytogenetic location: 11q13.2.
Variant type: single nucleotide variant.
Coding change: c.2760C>T on transcript NM_002335.4 (MANE Select); coding-DNA position 2760, C replaced by T.
Protein change: p.Ile920=; no amino-acid change (isoleucine 920 retained).
Molecular consequence: synonymous variant.
Genome position (GRCh38, 1-based): chr11:68,413,945, C>T. VCF-style: chr11-68413945-C-T. GRCh37 (hg19) VCF-style: chr11-68181413-C-T.
Other names: c.1017C>T, p.Ile339= (NM_001291902.2).
Identifiers: ClinVar variation 1147400 (VCV001147400.34), dbSNP rs2098661060, ClinGen allele CA475516513.

ClinVar aggregate classification (germline): Likely benign. Review status: criteria provided, multiple submitters, no conflicts (2 of 4 stars). 2 submissions from 2 submitters: Likely benign (2). Last evaluated 2023-04-01.

Allele frequency attached by ClinVar (database versions not stated): gnomAD 0.00001; gnomAD exomes 0.00001.
gnomAD v4.1: 17 of 1,609,620 alleles (0.0011%); highest among the groups gnomAD compares: Admixed American, 0.0017%; no homozygotes.

Submissions (2):

CeGaT Center for Human Genetics Tuebingen
Classification: Likely benign. Last evaluated: 2023-04-01. Review status: criteria provided, single submitter. Criteria: CeGaT Center For Human Genetics Tuebingen Variant Classification Criteria Version 2. Collection method: clinical testing. Allele origin: germline. Affected: yes. Observed: 1 variant allele.
Comment: LRP5: BP4

Labcorp Genetics (formerly Invitae), Labcorp
Classification: Likely benign. Last evaluated: 2022-06-20. Review status: criteria provided, single submitter. Criteria: Invitae Variant Classification Sherloc (09022015). Collection method: clinical testing. Allele origin: germline.